The following is an entry in ClinVar:

ClinVar aggregate classification (germline): Uncertain significance (1 of 4 stars; one submission).

gnomAD v4.1: 19 of 1,613,708 alleles (0.0012%); highest among the groups gnomAD compares: South Asian, 0.011%; no homozygotes.

Submission:

Labcorp Genetics (formerly Invitae), Labcorp
Classification: Uncertain significance. Last evaluated: 2024-10-28. Review status: criteria provided, single submitter. Criteria: Invitae Variant Classification Sherloc (09022015). Collection method: clinical testing. Allele origin: germline.
Comment: This sequence change replaces proline, which is neutral and non-polar, with histidine, which is basic and polar, at codon 541 of the MYO7A protein (p.Pro541His). This variant is present in population databases (rs369301423, gnomAD 0.01%). This variant has not been reported in the literature in individuals affected with MYO7A-related conditions. ClinVar contains an entry for this variant (Variation ID: 2169316). Invitae Evidence Modeling of protein sequence and biophysical properties (such as structural, functional, and spatial information, amino acid conservation, physicochemical variation, residue mobility, and thermodynamic stability) has been performed for this missense variant. However, the output from this modeling did not meet the statistical confidence thresholds required to predict the impact of this variant on MYO7A protein function. In summary, the available evidence is currently insufficient to determine the role of this variant in disease. Therefore, it has been classified as a Variant of Uncertain Significance.

NM_000260.4(MYO7A):c.1622C>A (p.Pro541His)

Gene: MYO7A (myosin VIIA; plus strand). Cytogenetic location: 11q13.5.
Variant type: single nucleotide variant.
Coding change: c.1622C>A on transcript NM_000260.4 (MANE Select); coding-DNA position 1622, C replaced by A.
Protein change: p.Pro541His; replaces proline 541 with histidine.
Molecular consequence: missense variant.
Genome position (GRCh38, 1-based): chr11:77,162,920, C>A. VCF-style: chr11-77162920-C-A. GRCh37 (hg19) VCF-style: chr11-76873966-C-A.
Other names: c.1622C>A, p.Pro541His (NM_001127180.2); c.1589C>A, p.Pro530His (NM_001369365.1); short protein forms P541H, P530H.
Identifiers: ClinVar variation 2169316 (VCV002169316.2), dbSNP rs369301423, ClinGen allele CA6197538.
Genomic context (GRCh38, chr11:77,162,920, plus strand): 5'-ACACCACCATGTTACACAAGCTGAACTCCCAGCACAAGCTCAACGCCAACTACATCCCCC[C>A]CAAGAACAACCATGAGACCCAGTTTGGCATCAACCATTTTGCAGGCATCGTCTACTATGA-3'
Protein context (NP_000251.3, residues 531-551): QHKLNANYIP[Pro541His]KNNHETQFGI